The following is an entry in ClinVar:

ClinVar aggregate classification (germline): Uncertain significance (1 of 4 stars; one submission).

Submission:

Labcorp Genetics (formerly Invitae), Labcorp
Classification: Uncertain significance. Last evaluated: 2025-11-23. Review status: criteria provided, single submitter. Criteria: Invitae Variant Classification Sherloc (09022015). Collection method: clinical testing. Allele origin: germline.
Comment: This sequence change creates a premature translational stop signal (p.Tyr209*) in the P2RY12 gene. While this is not anticipated to result in nonsense mediated decay, it is expected to disrupt the last 134 amino acid(s) of the P2RY12 protein. This variant is not present in population databases (gnomAD no frequency). This variant has not been reported in the literature in individuals affected with P2RY12-related conditions. In summary, the available evidence is currently insufficient to determine the role of this variant in disease. Therefore, it has been classified as a Variant of Uncertain Significance.

NM_022788.5(P2RY12):c.626dup (p.Tyr209Ter)

Genes: MED12L (mediator complex subunit 12L; plus strand), P2RY12 (purinergic receptor P2Y12; minus strand). Cytogenetic location: 3q25.1.
Variant type: Duplication.
Coding change: c.626dup on transcript NM_022788.5 (MANE Select); coding-DNA position 626, one base duplicated (A; older notation c.626dupA).
Protein change: p.Tyr209Ter; replaces tyrosine 209 with a stop codon.
Molecular consequence: nonsense. On other transcripts: intron variant (2).
Genome position (GRCh38, 1-based): chr3:151,338,220, T duplicated on the plus strand (A on the coding strand, the reverse complement: P2RY12 is on the minus strand). VCF-style (leftmost placement, unchanged base first): chr3-151338219-A-AT. GRCh37 (hg19) VCF-style: chr3-151056007-A-AT.
Other names: c.626dup, p.Tyr209Ter (NM_176876.3); c.2251-11839dup (NM_001393769.1); c.2146-11839dup (NM_053002.6); short protein forms Y209*.
Identifiers: ClinVar variation 4767052 (VCV004767052.1).
Genomic context (GRCh38, chr3:151,338,219, plus strand): 5'-GACTTTACCTACACCCCTCGTTCTTACGTATGACCGGTACAGTTCTTTTGTAATGAGTGT[A>AT]TAACATACAATAACAATTAAGAAATTAATCCAGAAAATGACTTGACAGATGTAATTTACT-3'